The following is an entry in ClinVar:

ClinVar aggregate classification (germline): Likely pathogenic (1 of 4 stars; one submission).

Conditions:
Inborn genetic diseases. Identifiers: MedGen C0950123, MeSH D030342.

Submission:

Ambry Genetics
Classification: Likely pathogenic for Inborn genetic diseases. Last evaluated: 2025-06-16. Review status: criteria provided, single submitter. Criteria: Ambry Variant Classification Scheme 2023. Collection method: clinical testing. Allele origin: germline.
Comment: The c.566G>T (p.G189V) alteration is located in exon 7 (coding exon 6) of the CSNK2B gene. This alteration results from a G to T substitution at nucleotide position 566, causing the glycine (G) at amino acid position 189 to be replaced by a valine (V). This variant was not reported in population-based cohorts in the Genome Aggregation Database (gnomAD). This amino acid position is highly conserved in available vertebrate species. This missense alteration is located in a region that has a low rate of benign missense variation (Lek, 2016; Firth, 2009). This alteration is predicted to be deleterious by in silico analysis. Based on the available evidence, this alteration is classified as likely pathogenic.

NM_001320.7(CSNK2B):c.566G>T (p.Gly189Val)

Gene: CSNK2B (casein kinase 2 beta; plus strand). Cytogenetic location: 6p21.33.
Variant type: single nucleotide variant.
Coding change: c.566G>T on transcript NM_001320.7 (MANE Select); coding-DNA position 566, G replaced by T.
Protein change: p.Gly189Val; replaces glycine 189 with valine.
Molecular consequence: missense variant.
Genome position (GRCh38, 1-based): chr6:31,669,844, G>T. VCF-style: chr6-31669844-G-T. GRCh37 (hg19) VCF-style: chr6-31637621-G-T.
Other names: c.557G>T, p.Gly186Val (NM_001282385.2); short protein forms G186V, G189V.
Identifiers: ClinVar variation 985080 (VCV000985080.4), dbSNP rs1802055915, ClinGen allele CA363479478.
Genomic context (GRCh38, chr6:31,669,844, plus strand): 5'-GGGCCTGGATGGGGCTCATGCTGCTGCCTCTCTGACCTCTGCCCTGGCCTAGGCTCTACG[G>T]TTTCAAGATCCATCCGATGGCCTACCAGCTGCAGCTCCAAGCCGCCAGCAACTTCAAGAG-3'
Protein context (NP_001311.3, residues 179-199): PANQFVPRLY[Gly189Val]FKIHPMAYQL